The following is an entry in ClinVar:

NM_001303052.2(MYT1L):c.2052C>G (p.Asp684Glu)

Gene: MYT1L (myelin transcription factor 1 like; minus strand). Cytogenetic location: 2p25.3.
Variant type: single nucleotide variant.
Coding change: c.2052C>G on transcript NM_001303052.2 (MANE Select); coding-DNA position 2052, C replaced by G.
Protein change: p.Asp684Glu; replaces aspartic acid 684 with glutamic acid.
Molecular consequence: missense variant.
Genome position (GRCh38, 1-based): chr2:1,892,268, G>C on the plus strand (C>G on the coding strand, the complement: MYT1L is on the minus strand). VCF-style: chr2-1892268-G-C. GRCh37 (hg19) VCF-style: chr2-1896040-G-C.
Other names: c.2052C>G, p.Asp684Glu (NM_001329844.2, NM_001329845.1, NM_001329851.3); c.2046C>G, p.Asp682Glu (NM_001329846.3, NM_001329847.2, NM_001329848.1 and 3 more transcripts); short protein forms D682E, D684E.
Identifiers: ClinVar variation 1723494 (VCV001723494.2), dbSNP rs2550732078, ClinGen allele CA345713179.

ClinVar aggregate classification (germline): Uncertain significance (1 of 4 stars; one submission).

Submission:

GeneDx
Classification: Uncertain significance. Last evaluated: 2022-05-11. Review status: criteria provided, single submitter. Criteria: GeneDx Variant Classification Process June 2021. Collection method: clinical testing. Allele origin: germline. Affected: yes.
Comment: Not observed at significant frequency in large population cohorts (gnomAD); In silico analysis supports that this missense variant does not alter protein structure/function; Has not been previously published as pathogenic or benign to our knowledge